The following is an entry in ClinVar:

NM_201269.3(ZNF644):c.2294A>C (p.Glu765Ala)

Gene: ZNF644 (zinc finger protein 644; minus strand). Cytogenetic location: 1p22.2.
Variant type: single nucleotide variant.
Coding change: c.2294A>C on transcript NM_201269.3 (MANE Select); coding-DNA position 2294, A replaced by C.
Protein change: p.Glu765Ala; replaces glutamic acid 765 with alanine.
Molecular consequence: missense variant. On other transcripts: intron variant (2).
Genome position (GRCh38, 1-based): chr1:90,939,060, T>G on the plus strand (A>C on the coding strand, the complement: ZNF644 is on the minus strand). VCF-style: chr1-90939060-T-G. GRCh37 (hg19) VCF-style: chr1-91404617-T-G.
Other names: c.23-20906A>C (NM_032186.5, NM_016620.4); short protein forms E765A.
Identifiers: ClinVar variation 3822239 (VCV003822239.2).

ClinVar aggregate classification (germline): Conflicting classifications of pathogenicity. Review status: criteria provided, conflicting classifications (1 of 4 stars). 2 submissions from 2 submitters: Uncertain significance (1); Likely benign (1). Last evaluated 2025-01-29.

Conditions:
ZNF644-related disorder. Also called: ZNF644-related condition.

gnomAD v4.1: 86 of 1,613,782 alleles (0.0053%); highest among the groups gnomAD compares: African/African-American, 0.079%; no homozygotes.

Submissions (2):

PreventionGenetics, part of Exact Sciences
Classification: Likely benign for ZNF644-related condition. Last evaluated: 2025-01-29. Review status: criteria provided, single submitter. Criteria: ACMG Guidelines, 2015. Collection method: clinical testing. Allele origin: germline.
Comment: This variant is classified as likely benign based on ACMG/AMP sequence variant interpretation guidelines (Richards et al. 2015 PMID: 25741868, with internal and published modifications).

Ambry Genetics
Classification: Uncertain significance. Last evaluated: 2025-01-28. Review status: criteria provided, single submitter. Criteria: Ambry Variant Classification Scheme 2023. Collection method: clinical testing. Allele origin: germline.